The following is an entry in ClinVar:

ClinVar aggregate classification (germline): Uncertain significance (1 of 4 stars; one submission).

Conditions:
Cardiovascular phenotype. Identifiers: MedGen CN230736.

Submission:

Ambry Genetics
Classification: Uncertain significance for Cardiovascular phenotype. Last evaluated: 2022-10-02. Review status: criteria provided, single submitter. Criteria: Ambry Variant Classification Scheme 2023. Collection method: clinical testing. Allele origin: germline.
Comment: The p.M92L variant (also known as c.274A>C), located in coding exon 3 of the ACTN2 gene, results from an A to C substitution at nucleotide position 274. The methionine at codon 92 is replaced by leucine, an amino acid with highly similar properties. This amino acid position is conserved. In addition, the in silico prediction for this alteration is inconclusive. Since supporting evidence is limited at this time, the clinical significance of this alteration remains unclear.

NM_001103.4(ACTN2):c.274A>C (p.Met92Leu)

Gene: ACTN2 (actinin alpha 2; plus strand). Cytogenetic location: 1q43.
Variant type: single nucleotide variant.
Coding change: c.274A>C on transcript NM_001103.4 (MANE Select); coding-DNA position 274, A replaced by C.
Protein change: p.Met92Leu; replaces methionine 92 with leucine.
Molecular consequence: missense variant. On other transcripts: 5 prime UTR variant (1).
Genome position (GRCh38, 1-based): chr1:236,718,926, A>C. VCF-style: chr1-236718926-A-C. GRCh37 (hg19) VCF-style: chr1-236882226-A-C.
Other names: c.274A>C, p.Met92Leu (NM_001278343.2); c.-548A>C (NM_001278344.2); c.-673A>C (NM_001412150.1); short protein forms M92L.
Identifiers: ClinVar variation 1795520 (VCV001795520.2), dbSNP rs1658300725, ClinGen allele CA345373511.
Genomic context (GRCh38, chr1:236,718,926, plus strand): 5'-TCTGCATGATTCTCTTTTCATCCAACAGGGGAAAGGCTGCCCAAACCTGACCGGGGAAAA[A>C]TGCGGTTCCACAAAATTGCTAATGTCAACAAAGCTTTGGATTACATAGCCAGCAAAGGGG-3'
Protein context (NP_001094.1, residues 82-102): ERLPKPDRGK[Met92Leu]RFHKIANVNK